The following is an entry in ClinVar:

ClinVar aggregate classification (germline): Likely pathogenic (1 of 4 stars; one submission).

Conditions:
Thrombophilia due to protein C deficiency, autosomal dominant. Also called: PROC DEFICIENCY, AUTOSOMAL DOMINANT; PROTEIN C DEFICIENCY, AUTOSOMAL DOMINANT. Identifiers: Orphanet 745, MedGen C2674321, MONDO:0008316, OMIM 176860. Disease mechanism: loss of function.

Submission:

ISTH-SSC Genomics in Thrombosis and Hemostasis, KU Leuven, Center for Molecular and Vascular Biology
Classification: Likely pathogenic for Thrombophilia due to protein C deficiency, autosomal dominant. Review status: criteria provided, single submitter. Criteria: ACMG Guidelines, 2015. Collection method: clinical testing. Allele origin: germline. Affected: yes. Observed: 1 heterozygote.
Comment: Submitted to GoldVariant by Kathleen Freson, Center for Molecular and Vascular Biology, Leuven, Belgium

NM_000312.4(PROC):c.497A>G (p.Tyr166Cys)

Gene: PROC (protein C, inactivator of coagulation factors Va and VIIIa; plus strand). Cytogenetic location: 2q14.3.
Variant type: single nucleotide variant.
Coding change: c.497A>G on transcript NM_000312.4 (MANE Select); coding-DNA position 497, A replaced by G.
Protein change: p.Tyr166Cys; replaces tyrosine 166 with cysteine.
Molecular consequence: missense variant.
Genome position (GRCh38, 1-based): chr2:127,423,370, A>G. VCF-style: chr2-127423370-A-G. GRCh37 (hg19) VCF-style: chr2-128180946-A-G.
Other names: c.680A>G, p.Tyr227Cys (NM_001375602.1); c.662A>G, p.Tyr221Cys (NM_001375603.1); c.560A>G, p.Tyr187Cys (NM_001375604.1); c.599A>G, p.Tyr200Cys (NM_001375605.1); c.665A>G, p.Tyr222Cys (NM_001375606.1); c.683A>G, p.Tyr228Cys (NM_001375607.1); c.440A>G, p.Tyr147Cys (NM_001375608.1); c.473A>G, p.Tyr158Cys (NM_001375609.1); and 2 more; short protein forms Y147C, Y158C, Y164C, Y166C, Y187C, Y200C, Y221C, Y222C.
Identifiers: ClinVar variation 1703787 (VCV001703787.1), dbSNP rs2468340110, ClinGen allele CA348400129.
Genomic context (GRCh38, chr2:127,423,370, plus strand): 5'-GCTGCACGCATTACTGCCTAGAGGAGGTGGGCTGGCGGCGCTGTAGCTGTGCGCCTGGCT[A>G]CAAGCTGGGGGACGACCTCCTGCAGTGTCACCCCGCAGGTGAGAAGCCCCCAATACATCG-3'
Protein context (NP_000303.1, residues 156-176): GWRRCSCAPG[Tyr166Cys]KLGDDLLQCH